The following is an entry in ClinVar:

NM_002875.5(RAD51):c.131C>G (p.Ala44Gly)

Gene: RAD51 (RAD51 recombinase; plus strand). Cytogenetic location: 15q15.1.
Variant type: single nucleotide variant.
Coding change: c.131C>G on transcript NM_002875.5 (MANE Select); coding-DNA position 131, C replaced by G.
Protein change: p.Ala44Gly; replaces alanine 44 with glycine.
Molecular consequence: missense variant.
Genome position (GRCh38, 1-based): chr15:40,701,107, C>G. VCF-style: chr15-40701107-C-G. GRCh37 (hg19) VCF-style: chr15-40993305-C-G.
Other names: c.131C>G, p.Ala44Gly (NM_001164269.2, NM_001164270.2, NM_133487.4); short protein forms A44G.
Identifiers: ClinVar variation 2585950 (VCV002585950.2), dbSNP rs2504414734, ClinGen allele CA391745624.
Genomic context (GRCh38, chr15:40,701,107, plus strand): 5'-GTTTTCTTCATTTGCAGCAGTGTGGCATAAATGCCAACGATGTGAAGAAATTGGAAGAAG[C>G]TGGATTCCATACTGTGGAGGCTGTTGCCTATGCGCCAAAGAAGGAGCTAATAAATATTAA-3'
Protein context (NP_002866.2, residues 34-54): NANDVKKLEE[Ala44Gly]GFHTVEAVAY

ClinVar aggregate classification (germline): Uncertain significance (1 of 4 stars; one submission).

Conditions:
Inborn genetic diseases. Identifiers: MedGen C0950123, MeSH D030342.

Submission:

Ambry Genetics
Classification: Uncertain significance for Inborn genetic diseases. Last evaluated: 2023-08-30. Review status: criteria provided, single submitter. Criteria: Ambry Variant Classification Scheme 2023. Collection method: clinical testing. Allele origin: germline.
Comment: The p.A44G variant (also known as c.131C>G), located in coding exon 2 of the RAD51 gene, results from a C to G substitution at nucleotide position 131. The alanine at codon 44 is replaced by glycine, an amino acid with similar properties. This amino acid position is conserved. In addition, this alteration is predicted to be tolerated by in silico analysis. Since supporting evidence is limited at this time, the clinical significance of this alteration remains unclear.